The following is an entry in ClinVar:

NM_005883.3(APC2):c.374G>A (p.Arg125Gln)

Gene: APC2 (APC regulator of Wnt signaling pathway 2; plus strand). Cytogenetic location: 19p13.3.
Variant type: single nucleotide variant.
Coding change: c.374G>A on transcript NM_005883.3 (MANE Select); coding-DNA position 374, G replaced by A.
Protein change: p.Arg125Gln; replaces arginine 125 with glutamine.
Molecular consequence: missense variant.
Genome position (GRCh38, 1-based): chr19:1,453,572, G>A. VCF-style: chr19-1453572-G-A. GRCh37 (hg19) VCF-style: chr19-1453571-G-A.
Other names: c.374G>A, p.Arg125Gln (NM_001351273.1); short protein forms R125Q.
Identifiers: ClinVar variation 2126162 (VCV002126162.4), dbSNP rs1479772782, ClinGen allele CA403010693.

ClinVar aggregate classification (germline): Uncertain significance (1 of 4 stars; one submission).

Allele frequency attached by ClinVar (database versions not stated): gnomAD 0.00001; TOPMed 0.00001; gnomAD exomes 0.00002.
gnomAD v4.1: 30 of 1,609,764 alleles (0.0019%); highest among the groups gnomAD compares: East Asian, 0.011%; no homozygotes.

Submission:

Labcorp Genetics (formerly Invitae), Labcorp
Classification: Uncertain significance. Last evaluated: 2024-02-23. Review status: criteria provided, single submitter. Criteria: Invitae Variant Classification Sherloc (09022015). Collection method: clinical testing. Allele origin: germline.
Comment: This sequence change replaces arginine, which is basic and polar, with glutamine, which is neutral and polar, at codon 125 of the APC2 protein (p.Arg125Gln). This variant is not present in population databases (gnomAD no frequency). This variant has not been reported in the literature in individuals affected with APC2-related conditions. ClinVar contains an entry for this variant (Variation ID: 2126162). An algorithm developed to predict the effect of missense changes on protein structure and function (PolyPhen-2) suggests that this variant is likely to be disruptive. In summary, the available evidence is currently insufficient to determine the role of this variant in disease. Therefore, it has been classified as a Variant of Uncertain Significance.